The following is an entry in ClinVar:

ClinVar aggregate classification (germline): Uncertain significance (1 of 4 stars; one submission).

Conditions:
CHARGE syndrome (CHARGE). Also called: Hittner Hirsch Kreh syndrome; CHARGE ASSOCIATION--COLOBOMA, HEART ANOMALY, CHOANAL ATRESIA, RETARDATION, GENITAL AND EAR ANOMALIES; Coloboma, heart anomaly, choanal atresia, retardation, genital and ear anomalies; CHARGE association; Hall-Hittner syndrome. Identifiers: Orphanet 138, MedGen C0265354, MONDO:0008965.

Allele frequency attached by ClinVar (database versions not stated): gnomAD exomes below 0.00001.
gnomAD v4.1: 3 of 1,613,140 alleles (0.00019%); highest among the groups gnomAD compares: Non-Finnish European, 0.00025%; no homozygotes.

Submission:

Labcorp Genetics (formerly Invitae), Labcorp
Classification: Uncertain significance for CHARGE syndrome. Last evaluated: 2023-04-26. Review status: criteria provided, single submitter. Criteria: Invitae Variant Classification Sherloc (09022015). Collection method: clinical testing. Allele origin: germline.
Comment: In summary, the available evidence is currently insufficient to determine the role of this variant in disease. Therefore, it has been classified as a Variant of Uncertain Significance. Advanced modeling of protein sequence and biophysical properties (such as structural, functional, and spatial information, amino acid conservation, physicochemical variation, residue mobility, and thermodynamic stability) has been performed at Invitae for this missense variant, however the output from this modeling did not meet the statistical confidence thresholds required to predict the impact of this variant on CHD7 protein function. This variant has not been reported in the literature in individuals affected with CHD7-related conditions. This variant is not present in population databases (gnomAD no frequency). This sequence change replaces proline, which is neutral and non-polar, with leucine, which is neutral and non-polar, at codon 394 of the CHD7 protein (p.Pro394Leu).

NM_017780.4(CHD7):c.1181C>T (p.Pro394Leu)

Gene: CHD7 (chromodomain helicase DNA binding protein 7; plus strand). Cytogenetic location: 8q12.2.
Variant type: single nucleotide variant.
Coding change: c.1181C>T on transcript NM_017780.4 (MANE Select); coding-DNA position 1181, C replaced by T.
Protein change: p.Pro394Leu; replaces proline 394 with leucine.
Molecular consequence: missense variant.
Genome position (GRCh38, 1-based): chr8:60,742,613, C>T. VCF-style: chr8-60742613-C-T. GRCh37 (hg19) VCF-style: chr8-61655172-C-T.
Other names: c.1181C>T, p.Pro394Leu (NM_001316690.1); short protein forms P394L.
Identifiers: ClinVar variation 3017359 (VCV003017359.3), dbSNP rs2487278023, ClinGen allele CA371301726.